The following is an entry in ClinVar:

NM_017433.5(MYO3A):c.2625G>C (p.Leu875=)

Gene: MYO3A (myosin IIIA; plus strand). Cytogenetic location: 10p12.1.
Variant type: single nucleotide variant.
Coding change: c.2625G>C on transcript NM_017433.5 (MANE Select); coding-DNA position 2625, G replaced by C.
Protein change: p.Leu875=; no amino-acid change (leucine 875 retained).
Molecular consequence: synonymous variant.
Genome position (GRCh38, 1-based): chr10:26,147,549, G>C. VCF-style: chr10-26147549-G-C. GRCh37 (hg19) VCF-style: chr10-26436478-G-C.
Identifiers: ClinVar variation 179937 (VCV000179937.29), dbSNP rs371741845, ClinGen allele CA185465.

ClinVar aggregate classification (germline): Conflicting classifications of pathogenicity. Review status: criteria provided, conflicting classifications (1 of 4 stars). 6 submissions from 6 submitters: Uncertain significance (1); Benign (2); Likely benign (2). 1 of the submissions does not count toward it. Last evaluated 2025-03-24.

Conditions:
MYO3A-related disorder. Also called: MYO3A-related condition.
Autosomal recessive nonsyndromic hearing loss 30. Identifiers: Orphanet 90636, MedGen C1846784, MONDO:0011774, OMIM 607101.

Allele frequency attached by ClinVar (database versions not stated): gnomAD below 0.00001 and 0.00021; TOPMed 0.00003; gnomAD exomes 0.00032 and 0.00076; ExAC 0.00083; 1000 Genomes Project 30x 0.00187; 1000 Genomes Project 0.00220.
gnomAD v4.1: 494 of 1,613,944 alleles (0.031%); highest among the groups gnomAD compares: South Asian, 0.52%; 7 homozygotes.

Submissions (6):

Labcorp Genetics (formerly Invitae), Labcorp
Classification: Benign. Last evaluated: 2025-03-24. Review status: criteria provided, single submitter. Criteria: Invitae Variant Classification Sherloc (09022015). Collection method: clinical testing. Allele origin: germline.

CeGaT Center for Human Genetics Tuebingen
Classification: Likely benign. Last evaluated: 2025-01-01. Review status: criteria provided, single submitter. Criteria: CeGaT Center For Human Genetics Tuebingen Variant Classification Criteria Version 2. Collection method: clinical testing. Allele origin: germline. Affected: yes. Observed: 1 variant allele.
Comment: MYO3A: BP4, BP7

GeneDx
Classification: Benign. Last evaluated: 2019-12-02. Review status: criteria provided, single submitter. Criteria: GeneDx Variant Classification Process June 2021. Collection method: clinical testing. Allele origin: germline. Affected: yes.

Illumina Laboratory Services, Illumina
Classification: Uncertain significance for Autosomal recessive nonsyndromic hearing loss 30. Last evaluated: 2018-01-12. Review status: criteria provided, single submitter. Criteria: ICSL Variant Classification Criteria 13 December 2019. Collection method: clinical testing. Allele origin: germline.

Laboratory for Molecular Medicine, Mass General Brigham Personalized Medicine
Classification: Likely benign. Last evaluated: 2014-09-09. Review status: criteria provided, single submitter. Criteria: LMM Criteria. Collection method: clinical testing. Allele origin: germline. Observed: 1 variant allele.
Comment: Leu875Leu in exon 23 of MYO3A: This variant is not expected to have clinical sig nificance because it does not alter an amino acid residue and is not located wit hin the splice consensus sequence.

PreventionGenetics, part of Exact Sciences
Classification: Likely benign for MYO3A-related condition. Last evaluated: 2019-06-04. Review status: no assertion criteria provided. Collection method: clinical testing. Allele origin: germline. Not counted in ClinVar's aggregate classification.
Comment: This variant is classified as likely benign based on ACMG/AMP sequence variant interpretation guidelines (Richards et al. 2015 PMID: 25741868, with internal and published modifications).